The following is an entry in ClinVar:

NM_001148.6(ANK2):c.2460CAC[6] (p.Thr826dup)

Gene: ANK2 (ankyrin 2; plus strand). Cytogenetic location: 4q26.
Variant type: Microsatellite.
Coding change: c.2460CAC[6] on transcript NM_001148.6 (MANE Select); six copies in a row of the 3-base unit CAC starting at c.2460; the reference has five copies in a row; one copy, 3 bases duplicated; also written c.2472_2474dup.
Protein change: p.Thr826dup; duplicates threonine 826.
Molecular consequence: inframe insertion.
Genome position (GRCh38, 1-based): chr4:113,293,535-113,293,537, CAC duplicated; duplicating any 3 consecutive bases within chr4:113,293,523-113,293,537 gives the same sequence; the position shown is the placement nearest the transcript's 3' end. VCF-style (leftmost placement, unchanged base first): chr4-113293522-T-TCAC. GRCh37 (hg19) VCF-style: chr4-114214678-T-TCAC.
Other names: c.2505CAC[6], p.Thr841dup (NM_001386144.1, NM_001386152.1, NM_001354240.2 and 5 more transcripts); c.2373CAC[6], p.Thr797dup (NM_001386146.1, NM_001386149.1, NM_001386150.1 and 10 more transcripts); c.2418CAC[6], p.Thr812dup (NM_001386147.1, NM_001386160.1, NM_001354261.2); c.2448CAC[6], p.Thr822dup (NM_001386148.2, NM_001386186.2); c.2274CAC[6], p.Thr764dup (NM_001386151.1, NM_001354260.2, NM_001354271.2); c.2298CAC[6], p.Thr772dup (NM_001386156.1, NM_001354253.2, NM_001354257.2 and 1 more transcripts); c.2175CAC[6], p.Thr731dup (NM_001386157.1, NM_001354277.2); c.2076CAC[6], p.Thr698dup (NM_001386158.1); and 10 more.
Identifiers: ClinVar variation 1343527 (VCV001343527.10), dbSNP rs770530257, ClinGen allele CA3050573.

ClinVar aggregate classification (germline): Conflicting classifications of pathogenicity. Review status: criteria provided, conflicting classifications (1 of 4 stars). 4 submissions from 4 submitters: Uncertain significance (3); Likely benign (1). Last evaluated 2026-03-18.

Conditions:
Cardiovascular phenotype. Identifiers: MedGen CN230736.
Cardiac arrhythmia, ankyrin-B-related. Also called: ANKYRIN-B SYNDROME. Identifiers: Orphanet 101016, Orphanet 768, MedGen C1970119, MONDO:0010958, OMIM 600919.
Long QT syndrome (LQTS). Identifiers: MedGen C0023976, MeSH D008133, MONDO:0002442. Disease mechanism: loss of function. Inheritance: Various modes of inheritance.

Submissions (4):

Ambry Genetics
Classification: Likely benign for Cardiovascular phenotype. Last evaluated: 2026-03-18. Review status: criteria provided, single submitter. Criteria: Ambry Variant Classification Scheme 2023. Collection method: clinical testing. Allele origin: germline.

Labcorp Genetics (formerly Invitae), Labcorp
Classification: Uncertain significance for Long QT syndrome. Last evaluated: 2025-11-28. Review status: criteria provided, single submitter. Criteria: Invitae Variant Classification Sherloc (09022015). Collection method: clinical testing. Allele origin: germline.
Comment: This variant, c.2472_2474dup, results in the insertion of 1 amino acid(s) of the ANK2 protein (p.Thr826dup), but otherwise preserves the integrity of the reading frame. This variant is present in population databases (rs770530257, gnomAD 0.006%). This variant has not been reported in the literature in individuals affected with ANK2-related conditions. In summary, the available evidence is currently insufficient to determine the role of this variant in disease. Therefore, it has been classified as a Variant of Uncertain Significance.

Women's Health and Genetics/Laboratory Corporation of America, LabCorp
Classification: Uncertain significance. Last evaluated: 2022-02-07. Review status: criteria provided, single submitter. Criteria: LabCorp Variant Classification Summary - May 2015. Collection method: clinical testing. Allele origin: germline.
Comment: Variant summary: ANK2 c.2472_2474dupCAC (p.Thr826dup) results in an in-frame duplication that is predicted to duplicate one amino acid into the encoded protein. 4/4 computational tools predict no significant impact on normal splicing. However, these predictions have yet to be confirmed by functional studies. The variant allele was found at a frequency of 4e-06 in 249986 control chromosomes (gnomAD). The available data on variant occurrences in the general population are insufficient to allow any conclusion about variant significance. To our knowledge, no occurrence of c.2472_2474dupCAC in individuals affected with Long QT Syndrome and no experimental evidence demonstrating its impact on protein function have been reported. No clinical diagnostic laboratories have submitted clinical-significance assessments for this variant to ClinVar after 2014. Based on the evidence outlined above, the variant was classified as uncertain significance.

Fulgent Genetics
Classification: Uncertain significance for Cardiac arrhythmia, ankyrin-B-related. Last evaluated: 2021-09-08. Review status: criteria provided, single submitter. Criteria: ACMG Guidelines, 2015. Collection method: clinical testing. Allele origin: unknown.